The following is an entry in ClinVar:

NM_003239.5(TGFB3):c.344C>A (p.Ala115Glu)

Gene: TGFB3 (transforming growth factor beta 3; minus strand). Cytogenetic location: 14q24.3.
Variant type: single nucleotide variant.
Coding change: c.344C>A on transcript NM_003239.5 (MANE Select); coding-DNA position 344, C replaced by A.
Protein change: p.Ala115Glu; replaces alanine 115 with glutamic acid.
Molecular consequence: missense variant.
Genome position (GRCh38, 1-based): chr14:75,980,550, G>T on the plus strand (C>A on the coding strand, the complement: TGFB3 is on the minus strand). VCF-style: chr14-75980550-G-T. GRCh37 (hg19) VCF-style: chr14-76446893-G-T.
Other names: c.344C>A, p.Ala115Glu (NM_001329938.2, NM_001329939.2); short protein forms A115E.
Identifiers: ClinVar variation 4055952 (VCV004055952.2).

ClinVar aggregate classification (germline): Uncertain significance. Review status: criteria provided, multiple submitters, no conflicts (2 of 4 stars). 2 submissions from 2 submitters: Uncertain significance (2). Last evaluated 2026-07-21.

Conditions:
Familial thoracic aortic aneurysm and aortic dissection (TAAD). Also called: Thoracic aortic aneurysms and dissections. Identifiers: Orphanet 91387, MedGen C4707243, MONDO:0019625.

Submissions (2):

Ambry Genetics
Classification: Uncertain significance for Familial thoracic aortic aneurysm and aortic dissection. Last evaluated: 2026-07-21. Review status: criteria provided, single submitter. Criteria: Ambry Variant Classification Scheme 2023. Collection method: clinical testing. Allele origin: germline.
Comment: The p.A115E variant (also known as c.344C>A), located in coding exon 1 of the TGFB3 gene, results from a C to A substitution at nucleotide position 344. The alanine at codon 115 is replaced by glutamic acid, an amino acid with dissimilar properties. This amino acid position is conserved. In addition, this alteration is predicted to be tolerated by in silico analysis. Based on the available evidence, the clinical significance of this variant remains unclear.

GeneDx
Classification: Uncertain significance. Last evaluated: 2025-01-06. Review status: criteria provided, single submitter. Criteria: GeneDx Variant Classification Process June 2021. Collection method: clinical testing. Allele origin: germline. Affected: yes.
Comment: Not observed at significant frequency in large population cohorts (gnomAD); In silico analysis indicates that this missense variant does not alter protein structure/function; Has not been previously published as pathogenic or benign to our knowledge